The following is an entry in ClinVar:

NM_001127208.3(TET2):c.1720C>T (p.Gln574Ter)

Genes: TET2 (tet methylcytosine dioxygenase 2; plus strand), TET2-AS1 (TET2 antisense RNA 1; minus strand). Cytogenetic location: 4q24.
Variant type: single nucleotide variant.
Coding change: c.1720C>T on transcript NM_001127208.3 (MANE Select); coding-DNA position 1720, C replaced by T.
Protein change: p.Gln574Ter; replaces glutamine 574 with a stop codon.
Molecular consequence: nonsense.
Genome position (GRCh38, 1-based): chr4:105,235,662, C>T. VCF-style: chr4-105235662-C-T. GRCh37 (hg19) VCF-style: chr4-106156819-C-T.
Other names: c.1720C>T, p.Gln574Ter (NM_017628.4); short protein forms Q574*.
Identifiers: ClinVar variation 4733822 (VCV004733822.1).

ClinVar aggregate classification (germline): Pathogenic (1 of 4 stars; one submission).

gnomAD v4.1: 2 of 1,614,128 alleles (0.00012%); highest among the groups gnomAD compares: Non-Finnish European, 0.00017%; no homozygotes.

Submission:

Labcorp Genetics (formerly Invitae), Labcorp
Classification: Pathogenic. Last evaluated: 2025-12-22. Review status: criteria provided, single submitter. Criteria: Invitae Variant Classification Sherloc (09022015). Collection method: clinical testing. Allele origin: germline.
Comment: This sequence change creates a premature translational stop signal (p.Gln574*) in the TET2 gene. It is expected to result in an absent or disrupted protein product. Loss-of-function variants in TET2 are known to be pathogenic (PMID: 36066697). The frequency data for this variant in the population databases is considered unreliable, as metrics indicate poor data quality at this position in the gnomAD database. This variant has not been reported in the literature in individuals affected with TET2-related conditions. For these reasons, this variant has been classified as Pathogenic.

Literature cited by the submitters: PubMed 36066697.